The following is an entry in ClinVar:

ClinVar aggregate classification (germline): Pathogenic (1 of 4 stars; one submission).

Conditions:
Inborn genetic diseases. Identifiers: MedGen C0950123, MeSH D030342.

Submission:

Ambry Genetics
Classification: Pathogenic for Inborn genetic diseases. Last evaluated: 2024-05-28. Review status: criteria provided, single submitter. Criteria: Ambry Variant Classification Scheme 2023. Collection method: clinical testing. Allele origin: germline.
Comment: The c.987_988delTG (p.A330Ifs*11) alteration, located in exon 7 (coding exon 7) of the IDS gene, consists of a deletion of 2 nucleotides from position 987 to 988, causing a translational frameshift with a predicted alternate stop codon after 11 amino acids. This alteration is expected to result in loss of function by premature protein truncation or nonsense-mediated mRNA decay. This variant was not reported in population-based cohorts in the Genome Aggregation Database (gnomAD). Based on the available evidence, this alteration is classified as pathogenic.

NM_000202.8(IDS):c.987_988del (p.Ala330fs)

Genes: IDS (iduronate 2-sulfatase; minus strand), LOC106050102 (IDS recombination region; plus strand). Cytogenetic location: Xq28.
Variant type: Deletion.
Coding change: c.987_988del on transcript NM_000202.8 (MANE Select); coding-DNA positions 987 to 988, 2 bases deleted (TG; older notation c.987_988delTG).
Protein change: p.Ala330fs; shifts the reading frame from alanine 330.
Molecular consequence: frameshift variant. On other transcripts: non-coding transcript variant (1).
Genome position (GRCh38, 1-based): chrX:149,490,332-149,490,333, CA deleted on the plus strand (TG on the coding strand, the reverse complement: IDS is on the minus strand). VCF-style (leftmost placement, unchanged base first): chrX-149490331-GCA-G. GRCh37 (hg19) VCF-style: chrX-148571862-GCA-G.
Other names: c.717_718del, p.Ala240fs (NM_001166550.4); c.987_988del, p.Ala330fs (NM_006123.5); short protein forms A240fs, A330fs.
Identifiers: ClinVar variation 3285265 (VCV003285265.1).